The following continues an entry in ClinVar:

NM_000256.3(MYBPC3):c.2909G>A (p.Arg970Gln)

Gene: MYBPC3. ClinVar aggregate classification (germline): Uncertain significance. Uncertain significance (14).

Submissions 8 to 17 of 17:

Color Diagnostics, LLC DBA Color Health
Classification: Uncertain significance for Cardiomyopathy. Last evaluated: 2024-03-28. Review status: criteria provided, single submitter. Criteria: ACMG Guidelines, 2015. Collection method: clinical testing. Allele origin: germline.
Comment: This missense variant replaces arginine with glutamine at codon 970 of the MYBPC3 protein. Computational prediction tools indicate that this variant has a neutral impact on protein structure and function. To our knowledge, functional studies have not been reported for this variant. This variant has been reported in at least two individuals affected with hypertrophic cardiomyopathy (PMID: 27532257, 28640247, 30297972, 32841044, 33782553), in one individual affected with dilated cardiomyopathy (PMID: 22464770, 24503780), and in one individual affected with left ventricular noncompaction cardiomyopathy (PMID: 30188508, 32600061). This variant has been identified in 11/216302 chromosomes in the general population by the Genome Aggregation Database (gnomAD). The available evidence is insufficient to determine the role of this variant in disease conclusively. Therefore, this variant is classified as a Variant of Uncertain Significance.

Molecular Genetics, Royal Melbourne Hospital
Classification: Uncertain significance for Left ventricular noncompaction. Last evaluated: 2024-01-05. Review status: criteria provided, single submitter. Criteria: ACMG Guidelines, 2015. Collection method: clinical testing. Allele origin: germline. Inheritance: Autosomal dominant inheritance. Affected: yes.
Comment: This sequence change in MYBPC3 is predicted to replace arginine with glutamine at codon 970, p.(Arg970Gln). The arginine residue is moderately conserved (100 vertebrates, Multiz Alignments), and is not located in an annotated domain. There is a small physicochemical difference between arginine and glutamine. The highest population minor allele frequency in the population database gnomAD v4.0 is 0.01% (114/1,160,438 alleles) in the European (non-Finnish) population. This variant has been reported in individuals with dilated cardiomyopathy, hypertrophic cardiomyopathy, and left ventricular noncompaction (PMID: 22464770, 27532257, 30847666, 32600061, 32841044). Computational evidence predicts an impact on splicing (SpliceAI) for the nucleotide change, and predicts a benign effect for the missense substitution (REVEL = 0.151). RNA studies have not been conducted to confirm the splicing prediction. Based on the classification scheme RMH Modified ACMG/AMP Guidelines v1.6.1, this variant is classified as a VARIANT OF UNCERTAIN SIGNIFICANCE. Following criteria are met: PP3.

Laboratory for Molecular Medicine, Mass General Brigham Personalized Medicine
Classification: Uncertain significance. Last evaluated: 2022-06-30. Review status: criteria provided, single submitter. Criteria: ACMG Guidelines, 2015. Collection method: clinical testing. Allele origin: germline.
Comment: The p.Arg970Gln variant in MYBPC3 has been identified in 1 individual with DCM, 2 individuals with HCM, and 1 individual with LVNC (Walsh 2017, Ko 2018, Takasaki 2018, LMM data). It has also been identified in 0.02% (6/28490) of Latino chromosomes by gnomAD and reported in ClinVar (Variation ID #177832). Computational prediction tools and conservation analyses do not provide strong support for or against an impact to the protein. In summary, the clinical significance of this variant is uncertain. ACMG/AMP Criteria applied: None.

CHEO Genetics Diagnostic Laboratory, Children's Hospital of Eastern Ontario
Classification: Uncertain significance for Cardiomyopathy. Last evaluated: 2021-07-20. Review status: criteria provided, single submitter. Criteria: ACMG Guidelines, 2015. Collection method: clinical testing. Allele origin: germline.

Women's Health and Genetics/Laboratory Corporation of America, LabCorp
Classification: Uncertain significance. Last evaluated: 2020-11-16. Review status: criteria provided, single submitter. Criteria: LabCorp Variant Classification Summary - May 2015. Collection method: clinical testing. Allele origin: germline.
Comment: Variant summary: MYBPC3 c.2909G>A (p.Arg970Gln) results in a conservative amino acid change in the encoded protein sequence. Three of four in-silico tools predict a benign effect of the variant on protein function. The variant allele was found at a frequency of 5.4e-05 in 184920 control chromosomes. This frequency is not significantly higher than expected for a pathogenic variant in MYBPC3 causing Cardiomyopathy (5.4e-05 vs 0.001), allowing no conclusion about variant significance. c.2909G>A has been reported in the literature in individuals affected with Cardiomyopathy (e.g. Lakdawala_2012, Pugh_2014, Walsh_2017, Ko_2018, Ho_2018, Takasaki_2018). These reports do not provide unequivocal conclusions about association of the variant with Cardiomyopathy. To our knowledge, no experimental evidence demonstrating an impact on protein function has been reported. Six other clinical diagnostic laboratories have submitted clinical-significance assessments for this variant to ClinVar after 2014 without evidence for independent evaluation. All laboratories cited the variant as uncertain significance. Based on the evidence outlined above, the variant was classified as uncertain significance.

Stanford Center for Inherited Cardiovascular Disease, Stanford University
Classification: Uncertain significance. Last evaluated: 2018-02-02. Review status: criteria provided, single submitter. Criteria: ACMG Guidelines, 2015. Collection method: provider interpretation. Allele origin: germline.

Eurofins Ntd Llc (ga)
Classification: Uncertain significance. Last evaluated: 2015-02-19. Review status: criteria provided, single submitter. Criteria: EGL Classification Definitions 2015. Collection method: clinical testing. Allele origin: germline.

Clinical Genetics DNA and cytogenetics Diagnostics Lab, Erasmus MC, Erasmus Medical Center
Classification: Uncertain significance. Review status: no assertion criteria provided. Collection method: clinical testing. Allele origin: germline. Affected: yes. Study: VKGL Data-share Consensus. Not counted in ClinVar's aggregate classification.

Clinical Genetics, Academic Medical Center
Classification: Uncertain significance. Review status: no assertion criteria provided. Collection method: clinical testing. Allele origin: germline. Affected: yes. Study: VKGL Data-share Consensus. Not counted in ClinVar's aggregate classification.

Joint Genome Diagnostic Labs from Nijmegen and Maastricht, Radboudumc and MUMC+
Classification: Uncertain significance. Review status: no assertion criteria provided. Collection method: clinical testing. Allele origin: germline. Affected: yes. Study: VKGL Data-share Consensus. Not counted in ClinVar's aggregate classification.

Literature cited by the submitters: PubMed 22464770 (cited by 7 submitters); PubMed 27532257 (cited by 7 submitters); PubMed 28640247 (cited by 6 submitters); PubMed 30188508 (cited by 6 submitters); PubMed 30297972 (cited by 4 submitters); PubMed 37652022 (cited by Labcorp Genetics (formerly Invitae), Labcorp); PubMed 24503780 (cited by 4 submitters); PubMed 30847666 (cited by Ambry Genetics and Molecular Genetics, Royal Melbourne Hospital); PubMed 32600061 (cited by 3 submitters); PubMed 32841044 (cited by 3 submitters); PubMed 33782553 (cited by All of Us Research Program, National Institutes of Health and Color Diagnostics, LLC DBA Color Health).